The following is an entry in ClinVar:

NM_006941.4(SOX10):c.793G>T (p.Glu265Ter)

Genes: POLR2F (RNA polymerase II, I and III subunit F; plus strand), SOX10 (SRY-box transcription factor 10; minus strand). Cytogenetic location: 22q13.1.
Variant type: single nucleotide variant.
Coding change: c.793G>T on transcript NM_006941.4 (MANE Select); coding-DNA position 793, G replaced by T.
Protein change: p.Glu265Ter; replaces glutamic acid 265 with a stop codon.
Molecular consequence: nonsense. On other transcripts: intron variant (3).
Genome position (GRCh38, 1-based): chr22:37,974,103, C>A on the plus strand (G>T on the coding strand, the complement: SOX10 is on the minus strand). VCF-style: chr22-37974103-C-A. GRCh37 (hg19) VCF-style: chr22-38370110-C-A.
Other names: c.*38+1793C>A (NM_001363825.1); c.293+6933C>A (NM_001301130.2, NM_001301131.2); short protein forms E265*.
Identifiers: ClinVar variation 3601857 (VCV003601857.1).

ClinVar aggregate classification (germline): Pathogenic (1 of 4 stars; one submission).

Conditions:
Waardenburg syndrome type 4C (WS4C). Also called: WAARDENBURG SYNDROME WITH HIRSCHSPRUNG DISEASE, TYPE 4C. Identifiers: Orphanet 897, MedGen C2750452, MONDO:0013202, OMIM 613266.

Submission:

Institute of Rare Diseases, West China Hospital, Sichuan University
Classification: Pathogenic for Waardenburg syndrome type 4C. Last evaluated: 2025-01-09. Review status: criteria provided, single submitter. Criteria: ClinGen HL ACMG Specifications v1. Collection method: research. Allele origin: germline. Affected: yes.
Comment: PM1;PVS1;PM2_Supporting